The following is an entry in ClinVar:

NM_203447.4(DOCK8):c.950G>A (p.Arg317Gln)

Gene: DOCK8 (dedicator of cytokinesis 8; plus strand). Cytogenetic location: 9p24.3.
Variant type: single nucleotide variant.
Coding change: c.950G>A on transcript NM_203447.4 (MANE Select); coding-DNA position 950, G replaced by A.
Protein change: p.Arg317Gln; replaces arginine 317 with glutamine.
Molecular consequence: missense variant.
Genome position (GRCh38, 1-based): chr9:328,077, G>A. VCF-style: chr9-328077-G-A. GRCh37 (hg19) VCF-style: chr9-328077-G-A.
Other names: p.Arg317Gln; c.746G>A, p.Arg249Gln (NM_001190458.2, NM_001193536.2); short protein forms R249Q, R317Q.
Identifiers: ClinVar variation 663388 (VCV000663388.11), dbSNP rs191413750, ClinGen allele CA4957540.

ClinVar aggregate classification (germline): Uncertain significance. Review status: criteria provided, multiple submitters, no conflicts (2 of 4 stars). 4 submissions from 4 submitters: Uncertain significance (4). Last evaluated 2025-01-20.

Allele frequency attached by ClinVar (database versions not stated): gnomAD exomes 0.00005 and 0.00014; ExAC 0.00007; gnomAD 0.00015 and 0.00017; TOPMed 0.00017; 1000 Genomes Project 30x 0.00047; 1000 Genomes Project 0.00060.
gnomAD v4.1: 101 of 1,614,084 alleles (0.0063%); highest among the groups gnomAD compares: Admixed American, 0.083%; no homozygotes.

Submissions (4):

Labcorp Genetics (formerly Invitae), Labcorp
Classification: Uncertain significance for Combined immunodeficiency due to DOCK8 deficiency. Last evaluated: 2025-01-20. Review status: criteria provided, single submitter. Criteria: Invitae Variant Classification Sherloc (09022015). Collection method: clinical testing. Allele origin: germline.
Comment: This sequence change replaces arginine, which is basic and polar, with glutamine, which is neutral and polar, at codon 317 of the DOCK8 protein (p.Arg317Gln). This variant is present in population databases (rs191413750, gnomAD 0.06%). This missense change has been observed in individual(s) with B-cell lymphoid neoplasm (PMID: 33809641). ClinVar contains an entry for this variant (Variation ID: 663388). Invitae Evidence Modeling of protein sequence and biophysical properties (such as structural, functional, and spatial information, amino acid conservation, physicochemical variation, residue mobility, and thermodynamic stability) indicates that this missense variant is not expected to disrupt DOCK8 protein function with a negative predictive value of 80%. In summary, the available evidence is currently insufficient to determine the role of this variant in disease. Therefore, it has been classified as a Variant of Uncertain Significance.

Blueprint Genetics
Classification: Uncertain significance. Last evaluated: 2024-05-31. Review status: criteria provided, single submitter. Criteria: ACMG Guidelines, 2015. Collection method: clinical testing. Allele origin: germline.

Mayo Clinic Laboratories, Mayo Clinic
Classification: Uncertain significance. Last evaluated: 2024-03-12. Review status: criteria provided, single submitter. Criteria: ACMG Guidelines, 2015. Collection method: clinical testing. Allele origin: germline. Observed: 1 variant allele.
Comment: BP4

GeneDx
Classification: Uncertain significance. Last evaluated: 2022-04-12. Review status: criteria provided, single submitter. Criteria: GeneDx Variant Classification Process June 2021. Collection method: clinical testing. Allele origin: germline. Affected: yes.
Comment: In silico analysis supports that this missense variant does not alter protein structure/function; Has not been previously published as pathogenic or benign to our knowledge

Literature cited by the submitters: PubMed 33809641 (cited by Labcorp Genetics (formerly Invitae), Labcorp).